The following is an entry in ClinVar:

NM_000458.4(HNF1B):c.364G>A (p.Ala122Thr)

Gene: HNF1B (HNF1 homeobox B; minus strand). Cytogenetic location: 17q12.
Variant type: single nucleotide variant.
Coding change: c.364G>A on transcript NM_000458.4 (MANE Select); coding-DNA position 364, G replaced by A.
Protein change: p.Ala122Thr; replaces alanine 122 with threonine.
Molecular consequence: missense variant.
Genome position (GRCh38, 1-based): chr17:37,739,620, C>T on the plus strand (G>A on the coding strand, the complement: HNF1B is on the minus strand). VCF-style: chr17-37739620-C-T. GRCh37 (hg19) VCF-style: chr17-36099611-C-T.
Other names: c.364G>A, p.Ala122Thr (NM_001165923.4, NM_001304286.2); short protein forms A122T.
Identifiers: ClinVar variation 595969 (VCV000595969.6), dbSNP rs1568670778, ClinGen allele CA398751718.

ClinVar aggregate classification (germline): Uncertain significance/Uncertain risk allele. Review status: criteria provided, multiple submitters, no conflicts (2 of 4 stars). 2 submissions from 2 submitters: Uncertain significance (1); Uncertain risk allele (1). Last evaluated 2018-02-01.

Conditions:
Maturity-onset diabetes of the young (MODY). Also called: Maturity onset diabetes mellitus in young. Identifiers: Orphanet 552, MedGen C0342276, MONDO:0018911, HP:0004904.

Submissions (2):

Eurofins Ntd Llc (ga)
Classification: Uncertain significance. Last evaluated: 2018-02-01. Review status: criteria provided, single submitter. Criteria: EGL Classification Definitions 2015. Collection method: clinical testing. Allele origin: germline. Observed: 1 variant allele, 1 heterozygote.

Clinical Genomics, Uppaluri K&H Personalized Medicine Clinic
Classification: Uncertain risk allele for Maturity-onset diabetes of the young. Review status: criteria provided, single submitter. Criteria: K & H Uppaluri Personalized Medicine Clinic Variant Classification & Assertion Criteria_Updated V.1. Collection method: research. Allele origin: unknown. Inheritance: Autosomal dominant inheritance.
Comment: HNF1B gene mutations are associated with early onset diabetes and pancreatic atrophy. It is also associated with multiple renal manifestations including renal cysts, Tubulointerstitial disease, glomerulocystic disease, renal hypoplasia, hypomagnesemia. However no sufficient evidence is found to ascertain the role of this particular variant rs1568670778, yet.

Literature cited by the submitters: PubMed 24897035 (cited by Clinical Genomics, Uppaluri K&H Personalized Medicine Clinic); PubMed 25536396 (cited by Clinical Genomics, Uppaluri K&H Personalized Medicine Clinic); PubMed 27615128 (cited by Clinical Genomics, Uppaluri K&H Personalized Medicine Clinic); PubMed 28215227 (cited by Clinical Genomics, Uppaluri K&H Personalized Medicine Clinic); PubMed 33434175 (cited by Clinical Genomics, Uppaluri K&H Personalized Medicine Clinic); PubMed 25741167 (cited by Clinical Genomics, Uppaluri K&H Personalized Medicine Clinic); PubMed 26340261 (cited by Clinical Genomics, Uppaluri K&H Personalized Medicine Clinic); PubMed 19639018 (cited by Clinical Genomics, Uppaluri K&H Personalized Medicine Clinic).